The following is an entry in ClinVar:

ClinVar aggregate classification (germline): Pathogenic (1 of 4 stars; one submission).

Conditions:
Combined immunodeficiency due to ZAP70 deficiency (IMD48). Also called: ZAP70 Deficiency; Immunodeficiency 48. Identifiers: Orphanet 911, MedGen C2931299, MONDO:0010023, OMIM 269840.

Allele frequency attached by ClinVar (database versions not stated): gnomAD exomes below 0.00001.
gnomAD v4.1: 1 of 1,613,818 alleles (0.000062%); highest among the groups gnomAD compares: Non-Finnish European, 0.000085%; no homozygotes.

Submission:

Labcorp Genetics (formerly Invitae), Labcorp
Classification: Pathogenic for Combined immunodeficiency due to ZAP70 deficiency. Last evaluated: 2023-11-20. Review status: criteria provided, single submitter. Criteria: Invitae Variant Classification Sherloc (09022015). Collection method: clinical testing. Allele origin: germline.
Comment: This sequence change creates a premature translational stop signal (p.Cys249*) in the ZAP70 gene. It is expected to result in an absent or disrupted protein product. Loss-of-function variants in ZAP70 are known to be pathogenic (PMID: 8202712). This variant is not present in population databases (gnomAD no frequency). This variant has not been reported in the literature in individuals affected with ZAP70-related conditions. For these reasons, this variant has been classified as Pathogenic.

Literature cited by the submitters: PubMed 8202712.

NM_001079.4(ZAP70):c.747C>A (p.Cys249Ter)

Gene: ZAP70 (zeta chain of T cell receptor associated protein kinase 70; plus strand). Cytogenetic location: 2q11.2.
Variant type: single nucleotide variant.
Coding change: c.747C>A on transcript NM_001079.4 (MANE Select); coding-DNA position 747, C replaced by A.
Protein change: p.Cys249Ter; replaces cysteine 249 with a stop codon.
Molecular consequence: nonsense.
Genome position (GRCh38, 1-based): chr2:97,733,169, C>A. VCF-style: chr2-97733169-C-A. GRCh37 (hg19) VCF-style: chr2-98349632-C-A.
Other names: c.747C>A, p.Cys249Ter (NM_001378594.1); short protein forms C249*.
Identifiers: ClinVar variation 2697762 (VCV002697762.3), dbSNP rs2482741381, ClinGen allele CA347798524.